The following is an entry in ClinVar:

ClinVar aggregate classification (germline): Uncertain significance. Review status: criteria provided, multiple submitters, no conflicts (2 of 4 stars). 2 submissions from 2 submitters: Uncertain significance (2). Last evaluated 2025-08-01.

Conditions:
Severe early-onset pulmonary alveolar proteinosis due to MARS deficiency. Also called: PULMONARY ALVEOLAR PROTEINOSIS, REUNION ISLAND; Interstitial lung and liver disease. Identifiers: Orphanet 440427, MedGen C4225400, MONDO:0014206, OMIM 615486.
Charcot-Marie-Tooth disease axonal type 2U. Also called: CHARCOT-MARIE-TOOTH NEUROPATHY, TYPE 2U; CHARCOT-MARIE-TOOTH DISEASE, AXONAL, AUTOSOMAL DOMINANT, TYPE 2U. Identifiers: Orphanet 397735, MedGen C4084821, MONDO:0014566, OMIM 616280.

Allele frequency attached by ClinVar (database versions not stated): gnomAD exomes below 0.00001; gnomAD 0.00001.
gnomAD v4.1: 4 of 1,612,434 alleles (0.00025%); highest among the groups gnomAD compares: Admixed American, 0.0033%; no homozygotes.

Submissions (2):

Ambry Genetics
Classification: Uncertain significance. Last evaluated: 2025-08-01. Review status: criteria provided, single submitter. Criteria: Ambry Variant Classification Scheme 2023. Collection method: clinical testing. Allele origin: germline.

Labcorp Genetics (formerly Invitae), Labcorp
Classification: Uncertain significance for Charcot-Marie-Tooth disease axonal type 2U; Severe early-onset pulmonary alveolar proteinosis due to MARS deficiency. Last evaluated: 2023-09-15. Review status: criteria provided, single submitter. Criteria: Invitae Variant Classification Sherloc (09022015). Collection method: clinical testing. Allele origin: germline.
Comment: ClinVar contains an entry for this variant (Variation ID: 1681697). This variant has not been reported in the literature in individuals affected with MARS-related conditions. This sequence change replaces asparagine, which is neutral and polar, with serine, which is neutral and polar, at codon 218 of the MARS protein (p.Asn218Ser). This variant is not present in population databases (gnomAD no frequency). An algorithm developed to predict the effect of missense changes on protein structure and function (PolyPhen-2) suggests that this variant is likely to be tolerated. Algorithms developed to predict the effect of sequence changes on RNA splicing suggest that this variant may create or strengthen a splice site. In summary, the available evidence is currently insufficient to determine the role of this variant in disease. Therefore, it has been classified as a Variant of Uncertain Significance.

NM_004990.4(MARS1):c.653A>G (p.Asn218Ser)

Gene: MARS1 (methionyl-tRNA synthetase 1; plus strand). Cytogenetic location: 12q13.3.
Variant type: single nucleotide variant.
Coding change: c.653A>G on transcript NM_004990.4 (MANE Select); coding-DNA position 653, A replaced by G.
Protein change: p.Asn218Ser; replaces asparagine 218 with serine.
Molecular consequence: missense variant.
Genome position (GRCh38, 1-based): chr12:57,490,369, A>G. VCF-style: chr12-57490369-A-G. GRCh37 (hg19) VCF-style: chr12-57884152-A-G.
Other names: c.653A>G (NM_004990.3); short protein forms N218S.
Identifiers: ClinVar variation 1681697 (VCV001681697.7), dbSNP rs1875839426, ClinGen allele CA385492224.